The following is an entry in ClinVar:

NM_001673.5(ASNS):c.374_381del (p.Leu125fs)

Genes: ASNS (asparagine synthetase (glutamine-hydrolyzing); minus strand), CZ1P-ASNS (CZ1P-ASNS readthrough; minus strand). Cytogenetic location: 7q21.3.
Variant type: Deletion.
Coding change: c.374_381del on transcript NM_001673.5 (MANE Select); coding-DNA positions 374 to 381, 8 bases deleted (TACTGGAT; older notation c.374_381delTACTGGAT).
Protein change: p.Leu125fs; shifts the reading frame from leucine 125.
Molecular consequence: frameshift variant. On other transcripts: non-coding transcript variant (1).
Genome position (GRCh38, 1-based): chr7:97,864,365-97,864,372, ATCCAGTA deleted on the plus strand (TACTGGAT on the coding strand, the reverse complement: ASNS is on the minus strand); deleting any 8 consecutive bases within chr7:97,864,365-97,864,373 gives the same sequence; the c. name uses the placement nearest the transcript's 3' end. VCF-style (leftmost placement, unchanged base first): chr7-97864364-TATCCAGTA-T. GRCh37 (hg19) VCF-style: chr7-97493676-TATCCAGTA-T.
Other names: c.311_318del, p.Leu104fs (NM_001178075.2); c.125_132del, p.Leu42fs (NM_001178076.2, NM_001178077.1); c.374_381del, p.Leu125fs (NM_001352496.2, NM_133436.3, NM_183356.4); short protein forms L42fs, L104fs, L125fs.
Identifiers: ClinVar variation 2023201 (VCV002023201.4), dbSNP rs2484682376, ClinGen allele CA2580077952.

ClinVar aggregate classification (germline): Pathogenic (1 of 4 stars; one submission).

Submission:

Labcorp Genetics (formerly Invitae), Labcorp
Classification: Pathogenic. Last evaluated: 2022-08-09. Review status: criteria provided, single submitter. Criteria: Invitae Variant Classification Sherloc (09022015). Collection method: clinical testing. Allele origin: germline.
Comment: For these reasons, this variant has been classified as Pathogenic. This variant has not been reported in the literature in individuals affected with ASNS-related conditions. This variant is not present in population databases (gnomAD no frequency). This sequence change creates a premature translational stop signal (p.Leu125Tyrfs*4) in the ASNS gene. It is expected to result in an absent or disrupted protein product. Loss-of-function variants in ASNS are known to be pathogenic (PMID: 27422383, 30057589).

Literature cited by the submitters: PubMed 27422383; PubMed 30057589.